The following is an entry in ClinVar:

NM_005732.4(RAD50):c.416A>G (p.Glu139Gly)

Gene: RAD50 (RAD50 double strand break repair protein; plus strand). Cytogenetic location: 5q31.1.
Variant type: single nucleotide variant.
Coding change: c.416A>G on transcript NM_005732.4 (MANE Select); coding-DNA position 416, A replaced by G.
Protein change: p.Glu139Gly; replaces glutamic acid 139 with glycine.
Molecular consequence: missense variant.
Genome position (GRCh38, 1-based): chr5:132,579,367, A>G. VCF-style: chr5-132579367-A-G. GRCh37 (hg19) VCF-style: chr5-131915059-A-G.
Other names: c.416A>G (NM_005732.3); short protein forms E139G.
Identifiers: ClinVar variation 1044772 (VCV001044772.10), dbSNP rs1750461273, ClinGen allele CA360933746.

ClinVar aggregate classification (germline): Uncertain significance. Review status: criteria provided, multiple submitters, no conflicts (2 of 4 stars). 2 submissions from 2 submitters: Uncertain significance (2). Last evaluated 2024-08-12.

Conditions:
Hereditary cancer-predisposing syndrome. Also called: Hereditary Cancer Syndrome; Tumor predisposition; Hereditary neoplastic syndrome; Neoplastic Syndromes, Hereditary. Identifiers: Orphanet 140162, MedGen C0027672, MeSH D009386, MONDO:0015356.

Submissions (2):

Ambry Genetics
Classification: Uncertain significance for Hereditary cancer-predisposing syndrome. Last evaluated: 2024-08-12. Review status: criteria provided, single submitter. Criteria: Ambry Variant Classification Scheme 2023. Collection method: clinical testing. Allele origin: germline.
Comment: The p.E139G variant (also known as c.416A>G), located in coding exon 4 of the RAD50 gene, results from an A to G substitution at nucleotide position 416. The glutamic acid at codon 139 is replaced by glycine, an amino acid with similar properties. This amino acid position is conserved. In addition, this alteration is predicted to be deleterious by in silico analysis. Based on the available evidence, the clinical significance of this variant remains unclear.

Labcorp Genetics (formerly Invitae), Labcorp
Classification: Uncertain significance for Hereditary cancer-predisposing syndrome. Last evaluated: 2020-03-02. Review status: criteria provided, single submitter. Criteria: Invitae Variant Classification Sherloc (09022015). Collection method: clinical testing. Allele origin: germline.
Comment: This sequence change replaces glutamic acid with glycine at codon 139 of the RAD50 protein (p.Glu139Gly). The glutamic acid residue is moderately conserved and there is a moderate physicochemical difference between glutamic acid and glycine. This variant is not present in population databases (ExAC no frequency). This variant has not been reported in the literature in individuals with RAD50-related conditions. Algorithms developed to predict the effect of missense changes on protein structure and function are either unavailable or do not agree on the potential impact of this missense change (SIFT: "Tolerated"; PolyPhen-2: "Probably Damaging"; Align-GVGD: "Class C0"). In summary, the available evidence is currently insufficient to determine the role of this variant in disease. Therefore, it has been classified as a Variant of Uncertain Significance.